The following is an entry in ClinVar:

NM_014795.4(ZEB2):c.3570G>C (p.Met1190Ile)

Gene: ZEB2 (zinc finger E-box binding homeobox 2; minus strand). Cytogenetic location: 2q22.3.
Variant type: single nucleotide variant.
Coding change: c.3570G>C on transcript NM_014795.4 (MANE Select); coding-DNA position 3570, G replaced by C.
Protein change: p.Met1190Ile; replaces methionine 1190 with isoleucine.
Molecular consequence: missense variant.
Genome position (GRCh38, 1-based): chr2:144,389,526, C>G on the plus strand (G>C on the coding strand, the complement: ZEB2 is on the minus strand). VCF-style: chr2-144389526-C-G. GRCh37 (hg19) VCF-style: chr2-145147093-C-G.
Other names: c.3498G>C, p.Met1166Ile (NM_001171653.2); short protein forms M1190I, M1166I.
Identifiers: ClinVar variation 2177199 (VCV002177199.4), dbSNP rs2549101577, ClinGen allele CA348698905.
Genomic context (GRCh38, chr2:144,389,526, plus strand): 5'-CATATTGTCTTCCTCGTGGTCTGATTTGGTTTCCATTTTCCCATCCTCCGAACTATCGTC[C>G]ATGGAGTGATCTCCAGTCTCTTCTTCATCTCGTATCGTTTCGGGATCCGTATCCATACTT-3'
Protein context (NP_055610.1, residues 1180-1200): RDEEETGDHS[Met1190Ile]DDSSEDGKME

ClinVar aggregate classification (germline): Uncertain significance (1 of 4 stars; one submission).

Conditions:
Mowat-Wilson syndrome (MOWS). Also called: Classic Mowat-Wilson Syndrome. Identifiers: Orphanet 2152, MedGen C1856113, MONDO:0009341, OMIM 235730.

Submission:

Labcorp Genetics (formerly Invitae), Labcorp
Classification: Uncertain significance for Mowat-Wilson syndrome. Last evaluated: 2022-02-08. Review status: criteria provided, single submitter. Criteria: Invitae Variant Classification Sherloc (09022015). Collection method: clinical testing. Allele origin: germline.
Comment: In summary, the available evidence is currently insufficient to determine the role of this variant in disease. Therefore, it has been classified as a Variant of Uncertain Significance. Algorithms developed to predict the effect of missense changes on protein structure and function (SIFT, PolyPhen-2, Align-GVGD) all suggest that this variant is likely to be tolerated. This variant has not been reported in the literature in individuals affected with ZEB2-related conditions. This variant is not present in population databases (gnomAD no frequency). This sequence change replaces methionine, which is neutral and non-polar, with isoleucine, which is neutral and non-polar, at codon 1190 of the ZEB2 protein (p.Met1190Ile).